The following is an entry in ClinVar:

NM_001365536.1(SCN9A):c.667A>G (p.Lys223Glu)

Gene: SCN9A (sodium voltage-gated channel alpha subunit 9; minus strand). Cytogenetic location: 2q24.3.
Variant type: single nucleotide variant.
Coding change: c.667A>G on transcript NM_001365536.1 (MANE Select); coding-DNA position 667, A replaced by G.
Protein change: p.Lys223Glu; replaces lysine 223 with glutamic acid.
Molecular consequence: missense variant.
Genome position (GRCh38, 1-based): chr2:166,304,259, T>C on the plus strand (A>G on the coding strand, the complement: SCN9A is on the minus strand). VCF-style: chr2-166304259-T-C. GRCh37 (hg19) VCF-style: chr2-167160769-T-C.
Other names: c.667A>G, p.Lys223Glu (NM_002977.4); short protein forms K223E.
Identifiers: ClinVar variation 2951044 (VCV002951044.3), dbSNP rs1698677987, ClinGen allele CA349094105.

ClinVar aggregate classification (germline): Uncertain significance (1 of 4 stars; one submission).

Conditions:
Neuropathy, hereditary sensory and autonomic, type 2A (HSAN2A). Also called: ACROOSTEOLYSIS, GIACCAI TYPE; ACROOSTEOLYSIS, NEUROGENIC; MORVAN DISEASE; NEUROPATHY, CONGENITAL SENSORY; NEUROPATHY, HEREDITARY SENSORY RADICULAR, AUTOSOMAL RECESSIVE; NEUROPATHY, HEREDITARY SENSORY, TYPE IIA. Identifiers: Orphanet 970, MedGen C2752089, MONDO:0024309, OMIM 201300.
Generalized epilepsy with febrile seizures plus, type 7 (GEFSP7). Also called: GEFS+, TYPE 7. Identifiers: Orphanet 36387, MedGen C2751778, MONDO:0013470, OMIM 613863.

Submission:

Labcorp Genetics (formerly Invitae), Labcorp
Classification: Uncertain significance for Neuropathy, hereditary sensory and autonomic, type 2A; Generalized epilepsy with febrile seizures plus, type 7. Last evaluated: 2023-05-30. Review status: criteria provided, single submitter. Criteria: Invitae Variant Classification Sherloc (09022015). Collection method: clinical testing. Allele origin: germline.
Comment: This variant is not present in population databases (gnomAD no frequency). In summary, the available evidence is currently insufficient to determine the role of this variant in disease. Therefore, it has been classified as a Variant of Uncertain Significance. Advanced modeling of protein sequence and biophysical properties (such as structural, functional, and spatial information, amino acid conservation, physicochemical variation, residue mobility, and thermodynamic stability) has been performed at Invitae for this missense variant, however the output from this modeling did not meet the statistical confidence thresholds required to predict the impact of this variant on SCN9A protein function. This variant has not been reported in the literature in individuals affected with SCN9A-related conditions. This sequence change replaces lysine, which is basic and polar, with glutamic acid, which is acidic and polar, at codon 223 of the SCN9A protein (p.Lys223Glu).